The following is an entry in ClinVar:

NM_000321.3(RB1):c.798A>T (p.Gln266His)

Gene: RB1 (RB transcriptional corepressor 1; plus strand). Cytogenetic location: 13q14.2.
Variant type: single nucleotide variant.
Coding change: c.798A>T on transcript NM_000321.3 (MANE Select); coding-DNA position 798, A replaced by T.
Protein change: p.Gln266His; replaces glutamine 266 with histidine.
Molecular consequence: missense variant.
Genome position (GRCh38, 1-based): chr13:48,362,894, A>T. VCF-style: chr13-48362894-A-T. GRCh37 (hg19) VCF-style: chr13-48937030-A-T.
Other names: c.798A>T, p.Gln266His (NM_001407165.1, NM_001407166.1); short protein forms Q266H.
Identifiers: ClinVar variation 5027927 (VCV005027927.1).

ClinVar aggregate classification (germline): Uncertain significance (1 of 4 stars; one submission).

Conditions:
Hereditary cancer-predisposing syndrome. Also called: Neoplastic Syndromes, Hereditary; Tumor predisposition; Hereditary neoplastic syndrome; Hereditary Cancer Syndrome. Identifiers: Orphanet 140162, MedGen C0027672, MeSH D009386, MONDO:0015356.

Submission:

Ambry Genetics
Classification: Uncertain significance for Hereditary cancer-predisposing syndrome. Last evaluated: 2026-07-02. Review status: criteria provided, single submitter. Criteria: Ambry Variant Classification Scheme 2023. Collection method: clinical testing. Allele origin: germline.
Comment: The p.Q266H variant (also known as c.798A>T), located in coding exon 8 of the RB1 gene, results from an A to T substitution at nucleotide position 798. The glutamine at codon 266 is replaced by histidine, an amino acid with highly similar properties. This amino acid position is conserved. In addition, the in silico prediction for this alteration is inconclusive. Based on the available evidence, the clinical significance of this variant remains unclear.